The following is an entry in ClinVar:

NM_058246.4(DNAJB6):c.831T>G (p.Ser277=)

Gene: DNAJB6 (DnaJ heat shock protein family (Hsp40) member B6; plus strand). Cytogenetic location: 7q36.3.
Variant type: single nucleotide variant.
Coding change: c.831T>G on transcript NM_058246.4 (MANE Select); coding-DNA position 831, T replaced by G.
Protein change: p.Ser277=; no amino-acid change (serine 277 retained).
Molecular consequence: synonymous variant.
Genome position (GRCh38, 1-based): chr7:157,409,934, T>G. VCF-style: chr7-157409934-T-G. GRCh37 (hg19) VCF-style: chr7-157202628-T-G.
Other names: c.486T>G, p.Ser162= (NM_001363676.1).
Identifiers: ClinVar variation 284273 (VCV000284273.18), dbSNP rs369098407, ClinGen allele CA4590650.
Genomic context (GRCh38, chr7:157,409,934, plus strand): 5'-CCGCCCGCCGAAGCCGCCCCGGCCTGCCTCGCTGCTGAGACACGCGCCTCACTGTCTCTC[T>G]GAGGAGGAGGGCGAGCAGGACCGACCTCGGGCACCCGGGCCCTGGGACCCCCTCGCGTCC-3'
Protein context (NP_490647.1, residues 267-287): SLLRHAPHCL[Ser277=]EEEGEQDRPR

ClinVar aggregate classification (germline): Conflicting classifications of pathogenicity. Review status: criteria provided, conflicting classifications (1 of 4 stars). 5 submissions from 5 submitters: Uncertain significance (1); Benign (2); Likely benign (2). Last evaluated 2025-12-28.

Conditions:
DNAJB6-related disorder. Also called: DNAJB6-related condition.
Autosomal dominant limb-girdle muscular dystrophy type 1D (DNAJB6) (LGMDD1). Also called: MUSCULAR DYSTROPHY, LIMB-GIRDLE, TYPE 1D; MUSCULAR DYSTROPHY, AUTOSOMAL DOMINANT, WITH RIMMED VACUOLES; Autosomal dominant limb-girdle muscular dystrophy type 1D; Muscular dystrophy, limb-girdle, autosomal dominant 1. Identifiers: Orphanet 34516, MedGen C4721885, MONDO:0021018, OMIM 603511.

Allele frequency attached by ClinVar (database versions not stated): gnomAD exomes 0.00002 and 0.00003; ExAC 0.00008; ESP Exome Variant Server 0.00017; 1000 Genomes Project 0.00020; TOPMed 0.00032; gnomAD 0.00039 and 0.00040.
gnomAD v4.1: 106 of 1,536,642 alleles (0.0069%); highest among the groups gnomAD compares: African/African-American, 0.13%; 2 homozygotes.

Submissions (5):

Labcorp Genetics (formerly Invitae), Labcorp
Classification: Benign for Autosomal dominant limb-girdle muscular dystrophy type 1D (DNAJB6). Last evaluated: 2025-12-28. Review status: criteria provided, single submitter. Criteria: Invitae Variant Classification Sherloc (09022015). Collection method: clinical testing. Allele origin: germline.

Athena Diagnostics
Classification: Benign. Last evaluated: 2025-02-24. Review status: criteria provided, single submitter. Criteria: Athena Diagnostics Criteria. Collection method: clinical testing. Allele origin: unknown.
Comment: The frequency of this variant in the general population is higher than would generally be expected for pathogenic variants in this gene. Computational tools yielded predictions that this variant is unlikely to have an effect on normal RNA splicing. This nucleotide position exhibits low evolutionary conservation.

PreventionGenetics, part of Exact Sciences
Classification: Likely benign for DNAJB6-related condition. Last evaluated: 2025-02-12. Review status: criteria provided, single submitter. Criteria: ACMG Guidelines, 2015. Collection method: clinical testing. Allele origin: germline.
Comment: This variant is classified as likely benign based on ACMG/AMP sequence variant interpretation guidelines (Richards et al. 2015 PMID: 25741868, with internal and published modifications).

GeneDx
Classification: Likely benign. Last evaluated: 2017-12-11. Review status: criteria provided, single submitter. Criteria: GeneDx Variant Classification (06012015). Collection method: clinical testing. Allele origin: germline. Affected: yes.
Comment: This variant is considered likely benign or benign based on one or more of the following criteria: it is a conservative change, it occurs at a poorly conserved position in the protein, it is predicted to be benign by multiple in silico algorithms, and/or has population frequency not consistent with disease.

Eurofins Ntd Llc (ga)
Classification: Uncertain significance. Last evaluated: 2016-10-18. Review status: criteria provided, single submitter. Criteria: EGL Classification Definitions 2015. Collection method: clinical testing. Allele origin: germline. Observed: 5 variant alleles, 5 heterozygotes.